The following is an entry in ClinVar:

NM_004946.3(DOCK2):c.4718T>C (p.Ile1573Thr)

Gene: DOCK2 (dedicator of cytokinesis 2; plus strand). Cytogenetic location: 5q35.1.
Variant type: single nucleotide variant.
Coding change: c.4718T>C on transcript NM_004946.3 (MANE Select); coding-DNA position 4718, T replaced by C.
Protein change: p.Ile1573Thr; replaces isoleucine 1573 with threonine.
Molecular consequence: missense variant. On other transcripts: non-coding transcript variant (1).
Genome position (GRCh38, 1-based): chr5:170,069,210, T>C. VCF-style: chr5-170069210-T-C. GRCh37 (hg19) VCF-style: chr5-169496214-T-C.
Other names: short protein forms I1573T.
Identifiers: ClinVar variation 1946718 (VCV001946718.5), dbSNP rs1338333679, ClinGen allele CA362113485.
Genomic context (GRCh38, chr5:170,069,210, plus strand): 5'-AAGAGTATGTCAGGGACCACCCTGAGGACCAGGACAAGCTGACCCACCTCAAGGACCTGA[T>C]TGCATGGCAGGTGAGGCAGCGCTGGCCAGGGGAGCATGCTGCTCTCCTTCCTCTCCCCCC-3'
Protein context (NP_004937.1, residues 1563-1583): QDKLTHLKDL[Ile1573Thr]AWQIPFLGAG

ClinVar aggregate classification (germline): Uncertain significance (1 of 4 stars; one submission).

Conditions:
DOCK2 deficiency. Also called: Immunodeficiency 40. Identifiers: Orphanet 447737, MedGen C4225328, MONDO:0014637, OMIM 616433.

Allele frequency attached by ClinVar (database versions not stated): gnomAD exomes below 0.00001.
gnomAD v4.1: 4 of 1,613,938 alleles (0.00025%); highest among the groups gnomAD compares: Admixed American, 0.0017%; no homozygotes.

Submission:

Labcorp Genetics (formerly Invitae), Labcorp
Classification: Uncertain significance for DOCK2 deficiency. Last evaluated: 2023-08-17. Review status: criteria provided, single submitter. Criteria: Invitae Variant Classification Sherloc (09022015). Collection method: clinical testing. Allele origin: germline.
Comment: This sequence change replaces isoleucine, which is neutral and non-polar, with threonine, which is neutral and polar, at codon 1573 of the DOCK2 protein (p.Ile1573Thr). This variant is present in population databases (no rsID available, gnomAD 0.003%). This variant has not been reported in the literature in individuals affected with DOCK2-related conditions. ClinVar contains an entry for this variant (Variation ID: 1946718). An algorithm developed to predict the effect of missense changes on protein structure and function (PolyPhen-2) suggests that this variant is likely to be disruptive. In summary, the available evidence is currently insufficient to determine the role of this variant in disease. Therefore, it has been classified as a Variant of Uncertain Significance.